The following is an entry in ClinVar:

ClinVar aggregate classification (germline): Uncertain significance (1 of 4 stars; one submission).

Conditions:
Autosomal recessive limb-girdle muscular dystrophy type 2J (LGMDR10). Also called: Limb-girdle muscular dystrophy, type 2J; MUSCULAR DYSTROPHY, LIMB-GIRDLE, AUTOSOMAL RECESSIVE 10. Identifiers: Orphanet 140922, MedGen C1837342, MONDO:0012127, OMIM 608807.
Dilated cardiomyopathy 1G (CMD1G). Identifiers: Orphanet 154, MedGen C1858763, MONDO:0011400, OMIM 604145.

gnomAD v4.1: 10 of 1,609,248 alleles (0.00062%); highest among the groups gnomAD compares: Non-Finnish European, 0.00085%; no homozygotes.

Submission:

Labcorp Genetics (formerly Invitae), Labcorp
Classification: Uncertain significance for Dilated cardiomyopathy 1G; Autosomal recessive limb-girdle muscular dystrophy type 2J. Last evaluated: 2023-04-08. Review status: criteria provided, single submitter. Criteria: Invitae Variant Classification Sherloc (09022015). Collection method: clinical testing. Allele origin: germline.
Comment: In summary, the available evidence is currently insufficient to determine the role of this variant in disease. Therefore, it has been classified as a Variant of Uncertain Significance. This variant is located in the I band of TTN (PMID: 25589632). Variants in this region may be clinically relevant, but have not been definitively shown to cause cardiomyopathy or neuromuscular disease (PMID: 27493940, 32778822). Variants that disrupt the consensus splice site are a relatively common cause of aberrant splicing (PMID: 17576681, 9536098). Algorithms developed to predict the effect of sequence changes on RNA splicing suggest that this variant may disrupt the consensus splice site. Experimental studies and prediction algorithms are not available or were not evaluated, and the functional significance of this variant is currently unknown. ClinVar contains an entry for this variant (Variation ID: 2177446). This variant has not been reported in the literature in individuals affected with TTN-related conditions. This variant is not present in population databases (gnomAD no frequency). This sequence change replaces valine, which is neutral and non-polar, with leucine, which is neutral and non-polar, at codon 12094 of the TTN protein (p.Val12094Leu). This variant also falls at the last nucleotide of exon 168, which is part of the consensus splice site for this exon.

Literature cited by the submitters: PubMed 25589632; PubMed 27493940; PubMed 32778822; PubMed 17576681; PubMed 9536098.

NM_001267550.2(TTN):c.36280G>C (p.Val12094Leu)

Gene: TTN (titin; minus strand). Cytogenetic location: 2q31.2.
Variant type: single nucleotide variant.
Coding change: c.36280G>C on transcript NM_001267550.2 (MANE Select); coding-DNA position 36280, G replaced by C.
Protein change: p.Val12094Leu; replaces valine 12094 with leucine.
Molecular consequence: missense variant. On other transcripts: intron variant (5).
Genome position (GRCh38, 1-based): chr2:178,664,460, C>G on the plus strand (G>C on the coding strand, the complement: TTN is on the minus strand). VCF-style: chr2-178664460-C-G. GRCh37 (hg19) VCF-style: chr2-179529187-C-G.
Other names: c.13283-22143G>C (NM_003319.4); c.13859-22143G>C (NM_133437.4); c.13658-22143G>C (NM_133432.3); c.31484-1405G>C (NM_133378.4); c.34265-1405G>C (NM_001256850.1); short protein forms V12094L.
Identifiers: ClinVar variation 2177446 (VCV002177446.4), dbSNP rs753213447, ClinGen allele CA349499697.